The following is an entry in ClinVar:

ClinVar aggregate classification (germline): Likely pathogenic (1 of 4 stars; one submission).

Conditions:
Autosomal dominant vitreoretinochoroidopathy. Also called: VITREORETINOCHOROIDOPATHY WITH MICROCORNEA, GLAUCOMA, AND CATARACT; VITREORETINOCHOROIDOPATHY, AUTOSOMAL DOMINANT, WITH NANOPHTHALMOS; Autosomal Dominant Vitreoretinochoroidopathy (ADVIRC). Identifiers: Orphanet 263347, Orphanet 3086, MedGen C3888099, MONDO:0008662, OMIM 193220.

Submission:

3billion
Classification: Likely pathogenic for Autosomal dominant vitreoretinochoroidopathy. Last evaluated: 2022-09-01. Review status: criteria provided, single submitter. Criteria: ACMG Guidelines, 2015. Collection method: clinical testing. Allele origin: germline. Affected: yes. Observed: 1 heterozygote.
Comment: The variant is not observed in the gnomAD v2.1.1 dataset. Missense changes are a common disease-causing mechanism. In silico tool predictions suggest damaging effect of the variant on gene or gene product (REVEL: 0.95; 3Cnet: 0.97). Different nucleotide change resulting in same amino acid change has been previously reported to be associated with BEST1-related disorder (ClinVar ID: VCV000522450 / PMID: 29555955). Different missense changes at the same codon (p.Asp228Asn, p.Asp228His, p.Asp228Tyr) have been reported to be associated with BEST1-related disorder (ClinVar ID: VCV000002748 / PMID: 19853238 , 25999674 , 29844330 / 3billion dataset). Therefore, this variant is classified as Likely pathogenic according to the recommendation of ACMG/AMP guideline.

Literature cited by the submitters: PubMed 19853238; PubMed 25999674; PubMed 29555955; PubMed 29844330.

NM_004183.4(BEST1):c.684C>A (p.Asp228Glu)

Gene: BEST1 (bestrophin 1; plus strand). Cytogenetic location: 11q12.3.
Variant type: single nucleotide variant.
Coding change: c.684C>A on transcript NM_004183.4 (MANE Select); coding-DNA position 684, C replaced by A.
Protein change: p.Asp228Glu; replaces aspartic acid 228 with glutamic acid.
Molecular consequence: missense variant. On other transcripts: non-coding transcript variant (1).
Genome position (GRCh38, 1-based): chr11:61,957,434, C>A. VCF-style: chr11-61957434-C-A. GRCh37 (hg19) VCF-style: chr11-61724906-C-A.
Other names: c.504C>A, p.Asp168Glu (NM_001139443.3, NM_001300786.2, NM_001300787.2); c.366C>A, p.Asp122Glu (NM_001363591.3); c.684C>A, p.Asp228Glu (NM_001363592.2); c.-492C>A (NM_001363593.3); short protein forms D122E, D168E, D228E.
Identifiers: ClinVar variation 1705627 (VCV001705627.1), dbSNP rs1431752515, ClinGen allele CA380838765.
Genomic context (GRCh38, chr11:61,957,434, plus strand): 5'-TTCTGCCCCCCAGGAGATGAACACCTTGCGTACTCAGTGTGGACACCTGTATGCCTACGA[C>A]TGGATTAGTATCCCACTGGTGTATACACAGGTGAGGACTAGGCTGGTGAGGCTGCCCTTT-3'
Protein context (NP_004174.1, residues 218-238): RTQCGHLYAY[Asp228Glu]WISIPLVYTQ